The following is an entry in ClinVar:

ClinVar aggregate classification (germline): Uncertain significance (1 of 4 stars; one submission).

Conditions:
Hereditary cancer-predisposing syndrome. Also called: Tumor predisposition; Hereditary neoplastic syndrome; Hereditary Cancer Syndrome; Neoplastic Syndromes, Hereditary. Identifiers: Orphanet 140162, MedGen C0027672, MeSH D009386, MONDO:0015356.

Submission:

Ambry Genetics
Classification: Uncertain significance for Hereditary cancer-predisposing syndrome. Last evaluated: 2025-05-02. Review status: criteria provided, single submitter. Criteria: Ambry Variant Classification Scheme 2023. Collection method: clinical testing. Allele origin: germline.
Comment: The p.H846R variant (also known as c.2537A>G), located in coding exon 15 of the PTCH1 gene, results from an A to G substitution at nucleotide position 2537. The histidine at codon 846 is replaced by arginine, an amino acid with highly similar properties. This amino acid position is conserved. In addition, this alteration is predicted to be deleterious by in silico analysis. Based on the available evidence, the clinical significance of this variant remains unclear.

NM_000264.5(PTCH1):c.2537A>G (p.His846Arg)

Genes: PTCH1 (patched 1; minus strand), LOC100507346 (uncharacterized LOC100507346; plus strand). Cytogenetic location: 9q22.32.
Variant type: single nucleotide variant.
Coding change: c.2537A>G on transcript NM_000264.5 (MANE Select); coding-DNA position 2537, A replaced by G.
Protein change: p.His846Arg; replaces histidine 846 with arginine.
Molecular consequence: missense variant. On other transcripts: non-coding transcript variant (2).
Genome position (GRCh38, 1-based): chr9:95,467,139, T>C on the plus strand (A>G on the coding strand, the complement: PTCH1 is on the minus strand). VCF-style: chr9-95467139-T-C. GRCh37 (hg19) VCF-style: chr9-98229421-T-C.
Other names: c.2339A>G, p.His780Arg (NM_001083602.3); c.2534A>G, p.His845Arg (NM_001083603.3); c.2084A>G, p.His695Arg (NM_001083604.3, NM_001083605.3, NM_001083606.3 and 1 more transcripts); c.2381A>G, p.His794Arg (NM_001354918.2); short protein forms H846R, H794R, H695R, H780R, H845R.
Identifiers: ClinVar variation 3939962 (VCV003939962.1).